The following is an entry in ClinVar:

NM_001375808.2(LPIN2):c.1809CTC[1] (p.Ser606del)

Gene: LPIN2 (lipin 2; minus strand). Cytogenetic location: 18p11.31.
Variant type: Microsatellite.
Coding change: c.1809CTC[1] on transcript NM_001375808.2 (MANE Select); one copy of the 3-base unit CTC starting at c.1809; the reference has two copies in a row; one copy, 3 bases deleted.
Protein change: p.Ser606del; deletes serine 606.
Molecular consequence: inframe deletion.
Genome position (GRCh38, 1-based): chr18:2,925,348-2,925,350, GAG deleted on the plus strand (CTC on the coding strand, the reverse complement: LPIN2 is on the minus strand); deleting any 3 consecutive bases within chr18:2,925,348-2,925,353 gives the same sequence; the position shown is the placement nearest the transcript's 3' end. VCF-style (leftmost placement, unchanged base first): chr18-2925347-CGAG-C. GRCh37 (hg19) VCF-style: chr18-2925345-CGAG-C.
Other names: c.1809CTC[1], p.Ser606del (NM_001375809.1, NM_014646.2); short protein forms S606del.
Identifiers: ClinVar variation 2100478 (VCV002100478.1), dbSNP rs2510246216, ClinGen allele CA2580613267.
Genomic context (GRCh38, chr18:2,925,347, plus strand): 5'-CTCTGTGGGGATGGGGTCCACTGTGATGGATTCTTCGAGCTCCTGTGATCCCTCGTCACT[CGAG>C]GAGTCATTCTCGGCCGGCCTGTTCAACATTAGCCCAGTTACGGAAGAGGCAGCAGGGCAT-3'

ClinVar aggregate classification (germline): Uncertain significance (1 of 4 stars; one submission).

Conditions:
Majeed syndrome (MJDS). Also called: LPIN2-Related Majeed Syndrome; CHRONIC RECURRENT MULTIFOCAL OSTEOMYELITIS 1, WITH CONGENITAL DYSERYTHROPOIETIC ANEMIA, WITH OR WITHOUT NEUTROPHILIC DERMATOSIS. Identifiers: Orphanet 77297, MedGen C1864997, MONDO:0012316, OMIM 609628.

Submission:

Labcorp Genetics (formerly Invitae), Labcorp
Classification: Uncertain significance for Majeed syndrome. Last evaluated: 2022-02-20. Review status: criteria provided, single submitter. Criteria: Invitae Variant Classification Sherloc (09022015). Collection method: clinical testing. Allele origin: germline.
Comment: This variant, c.1812_1814del, results in the deletion of 1 amino acid(s) of the LPIN2 protein (p.Ser606del), but otherwise preserves the integrity of the reading frame. This variant is not present in population databases (gnomAD no frequency). This variant has not been reported in the literature in individuals affected with LPIN2-related conditions. Experimental studies and prediction algorithms are not available or were not evaluated, and the functional significance of this variant is currently unknown. In summary, the available evidence is currently insufficient to determine the role of this variant in disease. Therefore, it has been classified as a Variant of Uncertain Significance.